The following is an entry in ClinVar:

ClinVar aggregate classification (germline): Pathogenic (1 of 4 stars; one submission).

Submission:

Labcorp Genetics (formerly Invitae), Labcorp
Classification: Pathogenic. Last evaluated: 2022-02-18. Review status: criteria provided, single submitter. Criteria: Invitae Variant Classification Sherloc (09022015). Collection method: clinical testing. Allele origin: germline.
Comment: This sequence change inserts a large fragment of DNA, likely a transposable element, in exon 11 of the DMXL2 gene (c.1519_1520ins?), causing a frameshift at codon 507 (p.Asp507fs). The exact size and sequence of the insertion cannot be determined by the current assay. However, the insertion is expected to result in an absent or disrupted protein product. This variant is not present in population databases (gnomAD no frequency). This variant has not been reported in the literature in individuals affected with DMXL2-related conditions. Retrotransposon insertions including LINE1 (L1), Alu, and SVA (SINE-VNTR-Alu) have been reported to be disease-causing through disruption of either a coding region or splice site (PMID: 19763152, 20307669, 22406018) and loss-of-function variants in DMXL2 are known to be pathogenic (PMID: 30237576, 31688942). For these reasons, this variant has been classified as Pathogenic.

Literature cited by the submitters: PubMed 19763152; PubMed 20307669; PubMed 22406018; PubMed 30237576; PubMed 31688942.

NM_001378457.1(DMXL2):c.1519_1520insGCGGAGCTTGCAGTGAGCCGAGATCCCGCCACTGCACTCCAGCCTGGGCGACAGAGCGAGACTCCGTCTCAAANNNNNNNNNNAAAAAAAAAAAAAAAAAAAAAAGAATCCTG (p.Asp507fs)

Gene: DMXL2 (Dmx like 2; minus strand). Cytogenetic location: 15q21.2.
Variant type: Insertion.
Coding change: c.1519_1520insGCGGAGCTTGCAGTGAGCCGAGATCCCGCCACTGCACTCCAGCCTGGGCGACAGAGCGAGACTCCGTCTCAAANNNNNNNNNNAAAAAAAAAAAAAAAAAAAAAAGAATCCTG on transcript NM_001378457.1 (MANE Select); coding-DNA positions 1519 to 1520, GCGGAGCTTGCAGTGAGCCGAGATCCCGCCACTGCACTCCAGCCTGGGCGACAGAGCGAGACTCCGTCTCAAANNNNNNNNNNAAAAAAAAAAAAAAAAAAAAAAGAATCCTG inserted.
Protein change: p.Asp507fs; shifts the reading frame from aspartic acid 507.
Molecular consequence: frameshift variant. On other transcripts: non-coding transcript variant (2).
Genome position: GRCh38: chr15:51,537,595-51,537,596. GRCh37 (hg19): chr15:51,829,792-51,829,793.
Other names: c.1519_1520insGCGGAGCTTGCAGTGAGCCGAGATCCCGCCACTGCACTCCAGCCTGGGCGACAGAGCGAGACTCCGTCTCAAANNNNNNNNNNAAAAAAAAAAAAAAAAAAAAAAGAATCCTG, p.Asp507fs (NM_001378462.1, NM_001378463.1, NM_015263.5 and 6 more transcripts); c.1279_1280insGCGGAGCTTGCAGTGAGCCGAGATCCCGCCACTGCACTCCAGCCTGGGCGACAGAGCGAGACTCCGTCTCAAANNNNNNNNNNAAAAAAAAAAAAAAAAAAAAAAGAATCCTG, p.Asp427fs (NM_001378464.1); short protein forms D507fs, D427fs.
Identifiers: ClinVar variation 2099131 (VCV002099131.4), dbSNP rs2548611381.